The following is an entry in ClinVar:

ClinVar aggregate classification (germline): Benign/Likely benign. Review status: criteria provided, multiple submitters, no conflicts (2 of 4 stars). 3 submissions from 3 submitters: Benign (1); Likely benign (2). Last evaluated 2025-07-08.

Conditions:
Developmental and epileptic encephalopathy, 1 (DEE1). Also called: OHTAHARA SYNDROME, X-LINKED; INFANTILE SPASM SYNDROME, X-LINKED 1; X-linked infantile spasms; West's syndrome; Tonic spasms with clustering, arrest of psychomotor development and hypsarrhythmia on EEG; X-Linked Infantile Spasm Syndrome. Identifiers: MedGen C3463992, MONDO:0010632, OMIM 308350. Disease mechanism: loss of function.
Autosomal recessive spinocerebellar ataxia 12. Also called: SPINOCEREBELLAR ATAXIA WITH MENTAL RETARDATION AND EPILEPSY. Identifiers: Orphanet 284282, MedGen C3280452, MONDO:0013687, OMIM 614322.

Allele frequency attached by ClinVar (database versions not stated): TOPMed 0.00004; 1000 Genomes Project 30x 0.00016; 1000 Genomes Project 0.00020; ExAC 0.00043; gnomAD exomes 0.00043; gnomAD 0.00076.
gnomAD v4.1: 331 of 1,613,556 alleles (0.021%); highest among the groups gnomAD compares: Non-Finnish European, 0.003%; 1 homozygote.

Submissions (3):

Labcorp Genetics (formerly Invitae), Labcorp
Classification: Benign for Developmental and epileptic encephalopathy, 1; Autosomal recessive spinocerebellar ataxia 12. Last evaluated: 2025-07-08. Review status: criteria provided, single submitter. Criteria: Invitae Variant Classification Sherloc (09022015). Collection method: clinical testing. Allele origin: germline.

CeGaT Center for Human Genetics Tuebingen
Classification: Likely benign. Last evaluated: 2024-09-01. Review status: criteria provided, single submitter. Criteria: CeGaT Center For Human Genetics Tuebingen Variant Classification Criteria Version 2. Collection method: clinical testing. Allele origin: germline. Affected: yes. Observed: 1 variant allele.
Comment: WWOX: BP4

Blueprint Genetics
Classification: Likely benign. Last evaluated: 2024-04-26. Review status: criteria provided, single submitter. Criteria: ACMG Guidelines, 2015. Collection method: clinical testing. Allele origin: germline.

NM_016373.4(WWOX):c.410-4A>T

Gene: WWOX (WW domain containing oxidoreductase; plus strand). Cytogenetic location: 16q23.1.
Variant type: single nucleotide variant.
Coding change: c.410-4A>T on transcript NM_016373.4 (MANE Select); 4 bases into the intron before coding-DNA position 410, A replaced by T.
Molecular consequence: intron variant.
Genome position (GRCh38, 1-based): chr16:78,164,179, A>T. VCF-style: chr16-78164179-A-T. GRCh37 (hg19) VCF-style: chr16-78198076-A-T.
Other names: c.71-4A>T (NM_001291997.2); c.410-4A>T (NM_130791.5).
Identifiers: ClinVar variation 540239 (VCV000540239.25), dbSNP rs183410581, ClinGen allele CA8183206.